The following is an entry in ClinVar:

ClinVar aggregate classification (germline): Likely pathogenic (1 of 4 stars; one submission).

Conditions:
Aicardi-Goutieres syndrome 5. Identifiers: Orphanet 51, MedGen C2749659, MONDO:0013059, OMIM 612952.

Submission:

Labcorp Genetics (formerly Invitae), Labcorp
Classification: Likely pathogenic for Aicardi Goutieres syndrome 5. Last evaluated: 2019-10-01. Review status: criteria provided, single submitter. Criteria: Invitae Variant Classification Sherloc (09022015). Collection method: clinical testing. Allele origin: germline.
Comment: This variant results in a copy number gain of the genomic region encompassing exon 6 of the SAMHD1 gene. While the exact position of this variant cannot be determined from this data, sub-genic copy number gains are generally in tandem (PMID: 25640679) and may result in an absent or disrupted protein product. This variant has not been reported in the literature in individuals with SAMHD1-related conditions. Loss-of-function variants in SAMHD1 are known to be pathogenic (PMID: 19525956, 22461318). In summary, the currently available evidence indicates that the variant is pathogenic, but additional data are needed to prove that conclusively. Therefore, this variant has been classified as Likely Pathogenic.

NC_000020.11:g.(?_36927172)_(36927262_?)dup

Gene: SAMHD1 (SAM and HD domain containing deoxynucleoside triphosphate triphosphohydrolase 1; minus strand). Cytogenetic location: 20q11.23.
Variant type: Duplication.
Identifiers: ClinVar variation 833136 (VCV000833136.1).